The following is an entry in ClinVar:

ClinVar aggregate classification (germline): Uncertain significance (1 of 4 stars; one submission).

Conditions:
Arrhythmogenic right ventricular dysplasia 10. Also called: Arrhythmogenic Right Ventricular Dysplasia/Cardiomyopathy10; Arrhythmogenic right ventricular dysplasia/cardiomyopathy, type 10; ARRHYTHMOGENIC RIGHT VENTRICULAR DYSPLASIA, FAMILIAL, 10. Identifiers: MedGen C1857777, MONDO:0012434, OMIM 610193.

Submission:

Labcorp Genetics (formerly Invitae), Labcorp
Classification: Uncertain significance for Arrhythmogenic right ventricular dysplasia 10. Last evaluated: 2021-09-09. Review status: criteria provided, single submitter. Criteria: Invitae Variant Classification Sherloc (09022015). Collection method: clinical testing. Allele origin: germline.
Comment: Algorithms developed to predict the effect of missense changes on protein structure and function output the following: SIFT: "Tolerated"; PolyPhen-2: "Benign"; Align-GVGD: "Class C0". The serine amino acid residue is found in multiple mammalian species, which suggests that this missense change does not adversely affect protein function. In summary, the available evidence is currently insufficient to determine the role of this variant in disease. Therefore, it has been classified as a Variant of Uncertain Significance. This variant has not been reported in the literature in individuals affected with DSG2-related conditions. This variant is not present in population databases (ExAC no frequency). This sequence change replaces proline with serine at codon 1031 of the DSG2 protein (p.Pro1031Ser). The proline residue is moderately conserved and there is a moderate physicochemical difference between proline and serine.

NM_001943.5(DSG2):c.3091C>T (p.Pro1031Ser)

Genes: DSG2 (desmoglein 2; plus strand), DSG2-AS1 (DSG2 antisense RNA 1; minus strand). Cytogenetic location: 18q12.1.
Variant type: single nucleotide variant.
Coding change: c.3091C>T on transcript NM_001943.5 (MANE Select); coding-DNA position 3091, C replaced by T.
Protein change: p.Pro1031Ser; replaces proline 1031 with serine.
Molecular consequence: missense variant.
Genome position (GRCh38, 1-based): chr18:31,546,477, C>T. VCF-style: chr18-31546477-C-T. GRCh37 (hg19) VCF-style: chr18-29126440-C-T.
Other names: short protein forms P1031S.
Identifiers: ClinVar variation 1473989 (VCV001473989.6), dbSNP rs2144361340, ClinGen allele CA402148375.